The following continues an entry in ClinVar:

NM_000059.4(BRCA2):c.3599_3600del (p.Asp1199_Cys1200insTer)

Gene: BRCA2. ClinVar aggregate classification (germline): Pathogenic. Pathogenic (1).

Submissions 24 to 35 of 35:

PreventionGenetics, part of Exact Sciences
Classification: Pathogenic for BRCA2-related condition. Last evaluated: 2024-06-03. Review status: no assertion criteria provided. Collection method: clinical testing. Allele origin: germline. Not counted in ClinVar's aggregate classification.
Comment: The BRCA2 c.3599_3600delGT variant is predicted to result in premature protein termination (p.Cys1200*). This variant has been associated with breast cancer, ovarian cancer and severe Fanconi anemia (reported as 3827delGT in De Leon Matsuda et al. 2002. PubMed ID: 11920621; Arai et al. 2018. PubMed ID: 29176636; Hirasawa et al. 2017. PubMed ID: 29348823; Petridis et al. 2019. PubMed ID: 31263054; van der Hout et al. 2006. PubMed ID: 16683254; Meyer et al. 2005. PubMed ID: 15645491). This variant is reported in 0.0054% of alleles in individuals of East Asian descent in gnomAD and is interpreted as pathogenic in ClinVar. Nonsense variants in BRCA2 are expected to be pathogenic. This variant is interpreted as pathogenic.

BRCAlab, Lund University
Classification: Pathogenic for Breast-ovarian cancer, familial, susceptibility to, 2. Last evaluated: 2022-08-26. Review status: no assertion criteria provided. Collection method: clinical testing. Allele origin: germline. Affected: yes. Not counted in ClinVar's aggregate classification.

Laboratory for Genotyping Development, RIKEN
Classification: Pathogenic for Gastric cancer. Last evaluated: 2021-07-01. Review status: no assertion criteria provided. Collection method: research. Allele origin: germline. Not counted in ClinVar's aggregate classification.

Integrative Tumor Epidemiology Branch, National Institutes of Health
Classification: Pathogenic for Chordoma. Last evaluated: 2021-03-22. Review status: no assertion criteria provided. Collection method: research. Allele origin: germline. Affected: yes. Observed: 1 variant allele. Not counted in ClinVar's aggregate classification.

Human Genome Sequencing Center Clinical Lab, Baylor College of Medicine
Classification: Pathogenic for Rhabdomyosarcoma. Last evaluated: 2020-09-01. Review status: no assertion criteria provided. Collection method: provider interpretation. Allele origin: germline. Affected: yes. Not counted in ClinVar's aggregate classification.

Mayo Clinic Laboratories, Mayo Clinic
Classification: Pathogenic. Last evaluated: 2017-11-30. Review status: no assertion criteria provided. Collection method: clinical testing. Allele origin: unknown. Not counted in ClinVar's aggregate classification.

Counsyl
Classification: Pathogenic for Breast-ovarian cancer, familial, susceptibility to, 2. Last evaluated: 2016-01-15. Review status: no assertion criteria provided. Collection method: clinical testing. Allele origin: unknown. Not counted in ClinVar's aggregate classification.

Research Molecular Genetics Laboratory, Women's College Hospital, University of Toronto
Classification: Pathogenic for Hereditary breast ovarian cancer syndrome. Last evaluated: 2014-01-31. Review status: no assertion criteria provided. Collection method: research. Allele origin: germline. Affected: yes. Study: The Canadian Open Genetics Repository (COGR). Not counted in ClinVar's aggregate classification.

Breast Cancer Information Core (BIC) (BRCA2)
Classification: Pathogenic for Breast-ovarian cancer, familial 2. Last evaluated: 2002-05-29. Review status: no assertion criteria provided. Collection method: clinical testing. Allele origin: germline. Affected: yes. Observed: 6 variant alleles. Not counted in ClinVar's aggregate classification.

Clinical Genetics DNA and cytogenetics Diagnostics Lab, Erasmus MC, Erasmus Medical Center
Classification: Pathogenic. Review status: no assertion criteria provided. Collection method: clinical testing. Allele origin: germline. Affected: yes. Study: VKGL Data-share Consensus. Not counted in ClinVar's aggregate classification.

Clinical Genetics Laboratory, Department of Pathology, Netherlands Cancer Institute
Classification: Pathogenic. Review status: no assertion criteria provided. Collection method: clinical testing. Allele origin: germline. Affected: yes. Study: VKGL Data-share Consensus. Not counted in ClinVar's aggregate classification.

Department of Pathology and Laboratory Medicine, Sinai Health System
Classification: Pathogenic for Breast-ovarian cancer, familial, susceptibility to, 2. Review status: no assertion criteria provided. Collection method: clinical testing. Allele origin: unknown. Affected: yes. Observed: 2 variant alleles. Study: The Canadian Open Genetics Repository (COGR). Not counted in ClinVar's aggregate classification.
Comment: The BRCA2 p.Cys1200X variant was identified by De Leon Matsuda (2002) in one individual with breast cancer and in one control subject with a â€šÃ„Ãºsuspicious breast massâ€šÃ„Ã¹ which was interpreted as fibrocystic disease, though a biopsy was not taken from the control subject. The variant was also identified in dbSNP (ID: rs80359391), HGMD, and UMD (3X as a causal variant). The p.Cys1200X variant leads to a premature stop codon at position 1200, which is predicted to lead to a truncated or absent protein and loss of function. Loss of function variants of the BRCA2 gene are an established mechanism of disease in hereditary breast and ovarian cancer and is the type of variant expected to cause the disorder. In summary, based on the above information, this variant meets our laboratoryâ€šÃ„Ã´s criteria to be classified as pathogenic.

Literature cited by the submitters: PubMed 20104584 (cited by 5 submitters); PubMed 15645491 (cited by 5 submitters); PubMed 16683254 (cited by 3 submitters); PubMed 24504028 (cited by 7 submitters); PubMed 24728189 (cited by 5 submitters); PubMed 25863477 (cited by 5 submitters); PubMed 29348823 (cited by 5 submitters); PubMed 30309222 (cited by Ambry Genetics and Quest Diagnostics Nichols Institute San Juan Capistrano); PubMed 30702160 (cited by Ambry Genetics and Quest Diagnostics Nichols Institute San Juan Capistrano); PubMed 26187060 (cited by Center for Genomic Medicine, Rigshospitalet, Copenhagen University Hospital); PubMed 11920621 (cited by 5 submitters); PubMed 12774040 (cited by 3 submitters); PubMed 22798144 (cited by 4 submitters); PubMed 26287763 (cited by 4 submitters); PubMed 30287823 (cited by 3 submitters); PubMed 31214711 (cited by Color Diagnostics, LLC DBA Color Health and All of Us Research Program, National Institutes of Health); PubMed 33471991 (cited by Color Diagnostics, LLC DBA Color Health and All of Us Research Program, National Institutes of Health); PubMed 29446198 (cited by Women's Health and Genetics/Laboratory Corporation of America, LabCorp); PubMed 19563646 (cited by Quest Diagnostics Nichols Institute San Juan Capistrano); PubMed 24259538 (cited by Quest Diagnostics Nichols Institute San Juan Capistrano); PubMed 12442265 (cited by Quest Diagnostics Nichols Institute San Juan Capistrano); PubMed 21719596 (cited by Quest Diagnostics Nichols Institute San Juan Capistrano); PubMed 24249303 (cited by Quest Diagnostics Nichols Institute San Juan Capistrano); PubMed 26681312 (cited by Laboratory for Molecular Medicine, Mass General Brigham Personalized Medicine); PubMed 36988593 (cited by Laboratory for Genotyping Development, RIKEN); PubMed 33372952 (cited by Human Genome Sequencing Center Clinical Lab, Baylor College of Medicine).